The following is an entry in ClinVar:

ClinVar aggregate classification (germline): Uncertain significance (1 of 4 stars; one submission).

Submission:

Labcorp Genetics (formerly Invitae), Labcorp
Classification: Uncertain significance. Last evaluated: 2024-06-09. Review status: criteria provided, single submitter. Criteria: Invitae Variant Classification Sherloc (09022015). Collection method: clinical testing. Allele origin: germline.
Comment: This sequence change replaces glutamic acid, which is acidic and polar, with glutamine, which is neutral and polar, at codon 129 of the ICOSLG protein (p.Glu129Gln). This variant is present in population databases (no rsID available, gnomAD 0.007%). This variant has not been reported in the literature in individuals affected with ICOSLG-related conditions. An algorithm developed to predict the effect of missense changes on protein structure and function (PolyPhen-2) suggests that this variant is likely to be tolerated. In summary, the available evidence is currently insufficient to determine the role of this variant in disease. Therefore, it has been classified as a Variant of Uncertain Significance.

NM_015259.6(ICOSLG):c.385G>C (p.Glu129Gln)

Gene: ICOSLG (inducible T cell costimulator ligand; minus strand). Cytogenetic location: 21q22.3.
Variant type: single nucleotide variant.
Coding change: c.385G>C on transcript NM_015259.6 (MANE Select); coding-DNA position 385, G replaced by C.
Protein change: p.Glu129Gln; replaces glutamic acid 129 with glutamine.
Molecular consequence: missense variant. On other transcripts: intron variant (1).
Genome position (GRCh38, 1-based): chr21:44,236,888, C>G on the plus strand (G>C on the coding strand, the complement: ICOSLG is on the minus strand). VCF-style: chr21-44236888-C-G. GRCh37 (hg19) VCF-style: chr21-45656771-C-G.
Other names: c.385G>C, p.Glu129Gln (NM_001283050.2, NM_001395918.1); c.130G>C, p.Glu44Gln (NM_001283052.2); c.304G>C, p.Glu102Gln (NM_001365759.2); c.56-1326G>C (NM_001283051.2); short protein forms E102Q, E129Q, E44Q.
Identifiers: ClinVar variation 3675468 (VCV003675468.2).